The following is an entry in ClinVar:

NM_001267550.2(TTN):c.21993T>C (p.Pro7331=)

Gene: TTN (titin; minus strand). Cytogenetic location: 2q31.2.
Variant type: single nucleotide variant.
Coding change: c.21993T>C on transcript NM_001267550.2 (MANE Select); coding-DNA position 21993, T replaced by C.
Protein change: p.Pro7331=; no amino-acid change (proline 7331 retained).
Molecular consequence: synonymous variant. On other transcripts: intron variant (3).
Genome position (GRCh38, 1-based): chr2:178,722,906, A>G on the plus strand (T>C on the coding strand, the complement: TTN is on the minus strand). VCF-style: chr2-178722906-A-G. GRCh37 (hg19) VCF-style: chr2-179587633-A-G.
Other names: c.18261T>C, p.Pro6087= (NM_133378.4); c.21042T>C, p.Pro7014= (NM_001256850.1); c.13282+15176T>C (NM_003319.4); c.13858+15176T>C (NM_133437.4); c.13657+15176T>C (NM_133432.3).
Identifiers: ClinVar variation 228066 (VCV000228066.29), dbSNP rs373223049, ClinGen allele CA2000910.

ClinVar aggregate classification (germline): Conflicting classifications of pathogenicity. Review status: criteria provided, conflicting classifications (1 of 4 stars). 6 submissions from 6 submitters: Uncertain significance (1); Likely benign (5). Last evaluated 2026-01-08.

Conditions:
TTN-related disorder. Also called: TTN-related disorders; TTN-related condition; TTN-related disease.
Dilated cardiomyopathy 1G (CMD1G). Identifiers: Orphanet 154, MedGen C1858763, MONDO:0011400, OMIM 604145.
Autosomal recessive limb-girdle muscular dystrophy type 2J (LGMDR10). Also called: Limb-girdle muscular dystrophy, type 2J; MUSCULAR DYSTROPHY, LIMB-GIRDLE, AUTOSOMAL RECESSIVE 10. Identifiers: Orphanet 140922, MedGen C1837342, MONDO:0012127, OMIM 608807.

Allele frequency attached by ClinVar (database versions not stated): gnomAD exomes 0.00002 and 0.00006; ExAC 0.00009; ESP Exome Variant Server 0.00024; gnomAD 0.00024 and 0.00028; TOPMed 0.00038.
gnomAD v4.1: 73 of 1,612,616 alleles (0.0045%); highest among the groups gnomAD compares: African/African-American, 0.088%; no homozygotes.

Submissions (6):

Labcorp Genetics (formerly Invitae), Labcorp
Classification: Likely benign for Dilated cardiomyopathy 1G; Autosomal recessive limb-girdle muscular dystrophy type 2J. Last evaluated: 2026-01-08. Review status: criteria provided, single submitter. Criteria: Invitae Variant Classification Sherloc (09022015). Collection method: clinical testing. Allele origin: germline.

PreventionGenetics, part of Exact Sciences
Classification: Likely benign for TTN-related condition. Last evaluated: 2025-10-10. Review status: criteria provided, single submitter. Criteria: ACMG Guidelines, 2015. Collection method: clinical testing. Allele origin: germline.
Comment: This variant is classified as likely benign based on ACMG/AMP sequence variant interpretation guidelines (Richards et al. 2015 PMID: 25741868, with internal and published modifications).

Blueprint Genetics
Classification: Likely benign. Last evaluated: 2023-11-28. Review status: criteria provided, single submitter. Criteria: ACMG Guidelines, 2015. Collection method: clinical testing. Allele origin: germline.

ARUP Laboratories, Molecular Genetics and Genomics, ARUP Laboratories
Classification: Likely benign. Last evaluated: 2019-06-02. Review status: criteria provided, single submitter. Criteria: ARUP Molecular Germline Variant Investigation Process. Collection method: clinical testing. Allele origin: germline.

Eurofins Ntd Llc (ga)
Classification: Uncertain significance. Last evaluated: 2017-04-06. Review status: criteria provided, single submitter. Criteria: EGL Classification Definitions 2015. Collection method: clinical testing. Allele origin: germline. Observed: 1 variant allele, 1 heterozygote.

Laboratory for Molecular Medicine, Mass General Brigham Personalized Medicine
Classification: Likely benign. Last evaluated: 2014-12-31. Review status: criteria provided, single submitter. Criteria: LMM Criteria. Collection method: clinical testing. Allele origin: germline. Observed: 2 variant alleles.
Comment: p.Pro6087Pro in exon 73 of TTN: This variant is not expected to have clinical si gnificance because it does not alter an amino acid residue and is not located wi thin the splice consensus sequence. It has been identified in 9/9802 African chr omosomes by the Exome Aggregation Consortium (ExAC, rg; dbSNP rs373223049).